The following is an entry in ClinVar:

ClinVar aggregate classification (germline): Pathogenic (1 of 4 stars; one submission).

Conditions:
Primary hyperoxaluria, type I (HP1). Also called: GLYCOLIC ACIDURIA; HEPATIC AGT DEFICIENCY; OXALOSIS I; Primary hyperoxaluria type 1. Identifiers: Orphanet 416, Orphanet 93598, MedGen C0268164, MONDO:0009823, OMIM 259900. Disease mechanism: loss of function.

Submission:

Rare Kidney Stone Consortium and the Mayo Clinic Hyperoxaluria Center, Mayo Clinic
Classification: Pathogenic for Primary hyperoxaluria, type I. Last evaluated: 2023-10-27. Review status: criteria provided, single submitter. Criteria: ACMG Guidelines, 2015. Collection method: clinical testing. Allele origin: germline. Affected: yes.
Comment: ACMG:PVS1 PM2 PM3 PP4

NM_000030.2(AGXT):c.1072_1079del

Gene: AGXT (alanine--glyoxylate aminotransferase; plus strand). Cytogenetic location: 2q37.3.
Variant type: Deletion.
Coding change: c.1072_1079del on transcript NM_000030.2; coding-DNA positions 1072 to 1079, 8 bases deleted (TGCTGCGG; older notation c.1072_1079delTGCTGCGG).
Genome position (GRCh38, 1-based): chr2:240,878,715-240,878,722, TGCTGCGG deleted; deleting any 8 consecutive bases within chr2:240,878,713-240,878,722 gives the same sequence; the c. name uses the placement nearest the transcript's 3' end. VCF-style (leftmost placement, unchanged base first): chr2-240878712-AGGTGCTGC-A. GRCh37 (hg19) VCF-style: chr2-241818129-AGGTGCTGC-A.
Identifiers: ClinVar variation 2664111 (VCV002664111.1), dbSNP rs2528766265, ClinGen allele CA2695197713.